The following is an entry in ClinVar:

NM_000548.5(TSC2):c.2429_2461delinsC (p.Ile810fs)

Gene: TSC2 (TSC complex subunit 2; plus strand). Cytogenetic location: 16p13.3.
Variant type: Indel.
Coding change: c.2429_2461delinsC on transcript NM_000548.5 (MANE Select); coding-DNA positions 2429 to 2461, the reference bases replaced by C.
Protein change: p.Ile810fs; shifts the reading frame from isoleucine 810.
Molecular consequence: frameshift variant.
Genome position (GRCh38, 1-based): chr16:2,074,273-2,074,305, 33 bases replaced. GRCh37 (hg19): chr16:2,124,274-2,124,306.
Other names: c.2429_2461delinsC, p.Ile810fs (NM_001077183.3, NM_001114382.3, NM_001363528.2 and 3 more transcripts); c.2318_2350delinsC, p.Ile773fs (NM_001318827.2); c.2282_2314delinsC, p.Ile761fs (NM_001318829.2); c.1829_1861delinsC, p.Ile610fs (NM_001318831.2); c.2462_2494delinsC, p.Ile821fs (NM_001318832.2); short protein forms I610fs, I773fs, I810fs, I761fs, I821fs.
Identifiers: ClinVar variation 237989 (VCV000237989.1), dbSNP rs878854082, ClinGen allele CA10583308.

ClinVar aggregate classification (germline): Pathogenic (1 of 4 stars; one submission).

Conditions:
Tuberous sclerosis 2 (TSC2). Identifiers: Orphanet 805, MedGen C1860707, MONDO:0013199, OMIM 613254.

Submission:

Labcorp Genetics (formerly Invitae), Labcorp
Classification: Pathogenic for Tuberous sclerosis 2. Last evaluated: 2016-01-29. Review status: criteria provided, single submitter. Criteria: Invitae Variant Classification Sherloc (09022015). Collection method: clinical testing. Allele origin: germline.
Comment: This sequence change deletes 33 nucleotides and inserts 1 nucleotide in exon 22 of the TSC2 mRNA (c.2429_2461delinsC), causing a frameshift at codon 810. This creates a premature translational stop signal (p.Ile810Lysfs*62) and is expected to result in an absent or disrupted protein product. While this particular variant has not been reported in the literature, truncating variants in TSC2 are known to be pathogenic (PMID: 10205261, 17304050). For these reasons, this variant has been classified as Pathogenic.